The following is an entry in ClinVar:

NM_000236.3(LIPC):c.213G>A (p.Thr71=)

Gene: LIPC (lipase C, hepatic type; plus strand). Cytogenetic location: 15q21.3.
Variant type: single nucleotide variant.
Coding change: c.213G>A on transcript NM_000236.3 (MANE Select); coding-DNA position 213, G replaced by A.
Protein change: p.Thr71=; no amino-acid change (threonine 71 retained).
Molecular consequence: synonymous variant.
Genome position (GRCh38, 1-based): chr15:58,538,457, G>A. VCF-style: chr15-58538457-G-A. GRCh37 (hg19) VCF-style: chr15-58830656-G-A.
Identifiers: ClinVar variation 782593 (VCV000782593.16), dbSNP rs113174258, ClinGen allele CA7584755.

ClinVar aggregate classification (germline): Benign/Likely benign. Review status: criteria provided, multiple submitters, no conflicts (2 of 4 stars). 4 submissions from 4 submitters: Benign (2); Likely benign (1). 1 of the submissions does not count toward it. Last evaluated 2026-01-18.

Conditions:
Hyperlipidemia due to hepatic triglyceride lipase deficiency. Also called: LIPC DEFICIENCY. Identifiers: Orphanet 140905, MedGen C3151466, MONDO:0013533, OMIM 614025.
LIPC-related disorder. Also called: LIPC-related condition.

Allele frequency attached by ClinVar (database versions not stated): gnomAD exomes 0.00025 and 0.00055; ExAC 0.00077; ESP Exome Variant Server 0.00208; gnomAD 0.00210 and 0.00216; TOPMed 0.00224; 1000 Genomes Project 0.00280; 1000 Genomes Project 30x 0.00281.
gnomAD v4.1: 722 of 1,614,142 alleles (0.045%); highest among the groups gnomAD compares: African/African-American, 0.77%; 6 homozygotes.

Submissions (4):

Labcorp Genetics (formerly Invitae), Labcorp
Classification: Benign. Last evaluated: 2026-01-18. Review status: criteria provided, single submitter. Criteria: Invitae Variant Classification Sherloc (09022015). Collection method: clinical testing. Allele origin: germline.

GeneDx
Classification: Benign. Last evaluated: 2020-08-04. Review status: criteria provided, single submitter. Criteria: GeneDx Variant Classification Process June 2021. Collection method: clinical testing. Allele origin: germline. Affected: yes.

Illumina Laboratory Services, Illumina
Classification: Likely benign for Hyperlipidemia due to hepatic triglyceride lipase deficiency. Last evaluated: 2017-04-27. Review status: criteria provided, single submitter. Criteria: ICSL Variant Classification Criteria 13 December 2019. Collection method: clinical testing. Allele origin: germline.
Comment: This variant was observed as part of a predisposition screen in an ostensibly healthy population. A literature search was performed for the gene, cDNA change, and amino acid change (where applicable). No publications were found based on this search. Allele frequency data from public databases allowed determination this variant is unlikely to cause disease. Therefore, this variant is classified as likely benign.

PreventionGenetics, part of Exact Sciences
Classification: Likely benign for LIPC-related condition. Last evaluated: 2019-03-12. Review status: no assertion criteria provided. Collection method: clinical testing. Allele origin: germline. Not counted in ClinVar's aggregate classification.
Comment: This variant is classified as likely benign based on ACMG/AMP sequence variant interpretation guidelines (Richards et al. 2015 PMID: 25741868, with internal and published modifications).